The following is an entry in ClinVar:

ClinVar aggregate classification (germline): Uncertain significance (1 of 4 stars; one submission).

Submission:

Greenwood Genetic Center Diagnostic Laboratories, Greenwood Genetic Center
Classification: Uncertain significance. Last evaluated: 2023-01-26. Review status: criteria provided, single submitter. Criteria: ACMG Guidelines, 2015. Collection method: clinical testing. Allele origin: germline. Affected: yes.
Comment: Gene of Uncertain Significance

NM_201599.3(ZMYM3):c.507A>T (p.Arg169Ser)

Gene: ZMYM3 (zinc finger MYM-type containing 3; minus strand). Cytogenetic location: Xq13.1.
Variant type: single nucleotide variant.
Coding change: c.507A>T on transcript NM_201599.3 (MANE Select); coding-DNA position 507, A replaced by T.
Protein change: p.Arg169Ser; replaces arginine 169 with serine.
Molecular consequence: missense variant.
Genome position (GRCh38, 1-based): chrX:71,252,749, T>A on the plus strand (A>T on the coding strand, the complement: ZMYM3 is on the minus strand). VCF-style: chrX-71252749-T-A. GRCh37 (hg19) VCF-style: chrX-70472599-T-A.
Other names: c.507A>T, p.Arg169Ser (NM_001171162.1, NM_001171163.1, NM_005096.3); short protein forms R169S.
Identifiers: ClinVar variation 2505248 (VCV002505248.1), dbSNP rs2519848930, ClinGen allele CA413528928.